The following is an entry in ClinVar:

ClinVar aggregate classification (germline): Uncertain significance (1 of 4 stars; one submission).

Conditions:
Cardiovascular phenotype. Identifiers: MedGen CN230736.

Submission:

Ambry Genetics
Classification: Uncertain significance for Cardiovascular phenotype. Last evaluated: 2025-06-22. Review status: criteria provided, single submitter. Criteria: Ambry Variant Classification Scheme 2023. Collection method: clinical testing. Allele origin: germline.
Comment: The p.V164L variant (also known as c.490G>C), located in coding exon 4 of the GPIHBP1 gene, results from a G to C substitution at nucleotide position 490. The valine at codon 164 is replaced by leucine, an amino acid with highly similar properties. This amino acid position is conserved. In addition, this alteration is predicted to be tolerated by in silico analysis. Based on the available evidence, the clinical significance of this variant remains unclear.

NM_178172.6(GPIHBP1):c.490G>C (p.Val164Leu)

Gene: GPIHBP1 (glycosylphosphatidylinositol anchored high density lipoprotein binding protein 1; plus strand). Cytogenetic location: 8q24.3.
Variant type: single nucleotide variant.
Coding change: c.490G>C on transcript NM_178172.6 (MANE Select); coding-DNA position 490, G replaced by C.
Protein change: p.Val164Leu; replaces valine 164 with leucine.
Molecular consequence: missense variant. On other transcripts: intron variant (1).
Genome position (GRCh38, 1-based): chr8:143,215,453, G>C. VCF-style: chr8-143215453-G-C. GRCh37 (hg19) VCF-style: chr8-144297328-G-C.
Other names: c.375+115G>C (NM_001301772.2); short protein forms V164L.
Identifiers: ClinVar variation 4265578 (VCV004265578.1).